The following is an entry in ClinVar:

ClinVar aggregate classification (germline): Uncertain significance (1 of 4 stars; one submission).

Conditions:
Early-infantile DEE. Also called: Ohtahara syndrome; Early infantile epileptic encephalopathy with suppression bursts; Early infantile epileptic encephalopathy. Identifiers: Orphanet 1934, MedGen C0393706, MONDO:0800491.

Submission:

Labcorp Genetics (formerly Invitae), Labcorp
Classification: Uncertain significance for Early-infantile DEE. Last evaluated: 2024-03-26. Review status: criteria provided, single submitter. Criteria: Invitae Variant Classification Sherloc (09022015). Collection method: clinical testing. Allele origin: germline.
Comment: This sequence change replaces lysine, which is basic and polar, with arginine, which is basic and polar, at codon 814 of the SPTAN1 protein (p.Lys814Arg). This variant is not present in population databases (gnomAD no frequency). This variant has not been reported in the literature in individuals affected with SPTAN1-related conditions. Advanced modeling of protein sequence and biophysical properties (such as structural, functional, and spatial information, amino acid conservation, physicochemical variation, residue mobility, and thermodynamic stability) has been performed at Invitae for this missense variant, however the output from this modeling did not meet the statistical confidence thresholds required to predict the impact of this variant on SPTAN1 protein function. Algorithms developed to predict the effect of sequence changes on RNA splicing suggest that this variant may create or strengthen a splice site. In summary, the available evidence is currently insufficient to determine the role of this variant in disease. Therefore, it has been classified as a Variant of Uncertain Significance.

NM_001130438.3(SPTAN1):c.2441A>G (p.Lys814Arg)

Gene: SPTAN1 (spectrin alpha, non-erythrocytic 1; plus strand). Cytogenetic location: 9q34.11.
Variant type: single nucleotide variant.
Coding change: c.2441A>G on transcript NM_001130438.3 (MANE Select); coding-DNA position 2441, A replaced by G.
Protein change: p.Lys814Arg; replaces lysine 814 with arginine.
Molecular consequence: missense variant.
Genome position (GRCh38, 1-based): chr9:128,584,724, A>G. VCF-style: chr9-128584724-A-G. GRCh37 (hg19) VCF-style: chr9-131347003-A-G.
Other names: c.2441A>G, p.Lys814Arg (NM_001195532.2, NM_001363759.2, NM_001363765.2 and 5 more transcripts); c.2477A>G, p.Lys826Arg (NM_001375312.2, NM_001375318.1); short protein forms K814R, K826R.
Identifiers: ClinVar variation 3678778 (VCV003678778.2).
Genomic context (GRCh38, chr9:128,584,724, plus strand): 5'-TCAGTGCTGACTTTTCTCTTCATGGTTGGATAACTGGGGACTGGTGTCTGCTTTCAGGTA[A>G]GGATTTAATTGGGGTCCAGAATCTGCTAAAGAAACATCAAGCCTTACAAGCAGAAATTGC-3'
Protein context (NP_001123910.1, residues 804-824): EPIAASTNRG[Lys814Arg]DLIGVQNLLK